The following is an entry in ClinVar:

ClinVar aggregate classification (germline): Uncertain significance (1 of 4 stars; one submission).

gnomAD v4.1: 1 of 1,607,024 alleles (0.000062%); highest among the groups gnomAD compares: Non-Finnish European, 0.000085%; no homozygotes.

Submission:

GeneDx
Classification: Uncertain significance. Last evaluated: 2026-03-12. Review status: criteria provided, single submitter. Criteria: GeneDx Variant Classification Process June 2021. Collection method: clinical testing. Allele origin: germline.
Comment: Not observed at significant frequency in large population cohorts (gnomAD); In silico analysis suggests that this missense variant does not alter protein structure/function; Has not been previously published as pathogenic or benign to our knowledge

NM_019842.4(KCNQ5):c.472A>C (p.Ser158Arg)

Gene: KCNQ5 (potassium voltage-gated channel subfamily Q member 5; plus strand). Cytogenetic location: 6q13.
Variant type: single nucleotide variant.
Coding change: c.472A>C on transcript NM_019842.4 (MANE Select); coding-DNA position 472, A replaced by C.
Protein change: p.Ser158Arg; replaces serine 158 with arginine.
Molecular consequence: missense variant.
Genome position (GRCh38, 1-based): chr6:73,003,981, A>C. VCF-style: chr6-73003981-A-C. GRCh37 (hg19) VCF-style: chr6-73713704-A-C.
Other names: c.472A>C, p.Ser158Arg (NM_001160130.2, NM_001160132.2, NM_001160133.2 and 1 more transcripts); short protein forms S158R.
Identifiers: ClinVar variation 5008846 (VCV005008846.1).